The following is an entry in ClinVar:

ClinVar aggregate classification (germline): Uncertain significance. Review status: criteria provided, multiple submitters, no conflicts (2 of 4 stars). 2 submissions from 2 submitters: Uncertain significance (2). Last evaluated 2019-11-01.

Conditions:
Hereditary cancer-predisposing syndrome. Also called: Neoplastic Syndromes, Hereditary; Hereditary Cancer Syndrome; Tumor predisposition; Hereditary neoplastic syndrome. Identifiers: Orphanet 140162, MedGen C0027672, MeSH D009386, MONDO:0015356.
Familial cancer of breast. Also called: hereditary breast carcinoma; BREAST CANCER, FAMILIAL; Hereditary breast cancer. Identifiers: Orphanet 227535, MedGen C0346153, MONDO:0016419, OMIM 114480. Disease mechanism: loss of function.
Fanconi anemia complementation group J. Also called: BRIP1-Related Fanconi Anemia. Identifiers: Orphanet 84, MedGen C1836860, MONDO:0012187, OMIM 609054.

Submissions (2):

Labcorp Genetics (formerly Invitae), Labcorp
Classification: Uncertain significance for Familial cancer of breast; Fanconi anemia complementation group J. Last evaluated: 2019-11-01. Review status: criteria provided, single submitter. Criteria: Invitae Variant Classification Sherloc (09022015). Collection method: clinical testing. Allele origin: germline.
Comment: This sequence change replaces asparagine with histidine at codon 1219 of the BRIP1 protein (p.Asn1219His). The asparagine residue is weakly conserved and there is a small physicochemical difference between asparagine and histidine. This variant is not present in population databases (ExAC no frequency). This variant has not been reported in the literature in individuals with BRIP1-related disease. Algorithms developed to predict the effect of missense changes on protein structure and function output the following: SIFT: "Tolerated"; PolyPhen-2: "Benign"; Align-GVGD: "Class C0". The histidine amino acid residue is found in multiple mammalian species, suggesting that this missense change does not adversely affect protein function. These predictions have not been confirmed by published functional studies and their clinical significance is uncertain. In summary, the available evidence is currently insufficient to determine the role of this variant in disease. Therefore, it has been classified as a Variant of Uncertain Significance.

Ambry Genetics
Classification: Uncertain significance for Hereditary cancer-predisposing syndrome. Last evaluated: 2019-01-23. Review status: criteria provided, single submitter. Criteria: Ambry Variant Classification Scheme 2023. Collection method: clinical testing. Allele origin: germline.
Comment: The p.N1219H variant (also known as c.3655A>C), located in coding exon 19 of the BRIP1 gene, results from an A to C substitution at nucleotide position 3655. The asparagine at codon 1219 is replaced by histidine, an amino acid with similar properties. This amino acid position is not well conserved in available vertebrate species. In addition, this alteration is predicted to be tolerated by in silico analysis. Since supporting evidence is limited at this time, the clinical significance of this alteration remains unclear.

NM_032043.3(BRIP1):c.3655A>C (p.Asn1219His)

Gene: BRIP1 (BRCA1 interacting DNA helicase 1; minus strand). Cytogenetic location: 17q23.2.
Variant type: single nucleotide variant.
Coding change: c.3655A>C on transcript NM_032043.3 (MANE Select); coding-DNA position 3655, A replaced by C.
Protein change: p.Asn1219His; replaces asparagine 1219 with histidine.
Molecular consequence: missense variant.
Genome position (GRCh38, 1-based): chr17:61,683,391, T>G on the plus strand (A>C on the coding strand, the complement: BRIP1 is on the minus strand). VCF-style: chr17-61683391-T-G. GRCh37 (hg19) VCF-style: chr17-59760752-T-G.
Other names: short protein forms N1219H.
Identifiers: ClinVar variation 582853 (VCV000582853.16), dbSNP rs1567727404, ClinGen allele CA400477891.
Genomic context (GRCh38, chr17:61,683,391, plus strand): 5'-AAGGAGATGGTTTAAAGTTCTTTATTTCTATTTCATGAGTTTTTCCCAGTTCCAGTTCAT[T>G]TATCCAAGTTGTTTTTACATTACCATCAATGTCATCAATTTTACTTTCTTCAATATGCAG-3'
Protein context (NP_114432.2, residues 1209-1229): IDGNVKTTWI[Asn1219His]ELELGKTHEI